The following is an entry in ClinVar:

ClinVar aggregate classification (germline): Uncertain significance (1 of 4 stars; one submission).

Conditions:
Epidermolysis bullosa simplex 3, localized or generalized intermediate, with BP230 deficiency (EBS3). Also called: Epidermolysis bullosa simplex due to BP230 deficiency; Epidermolysis bullosa simplex, autosomal recessive 2. Identifiers: Orphanet 412181, MedGen C3809470, MONDO:0014180, OMIM 615425.
Hereditary sensory and autonomic neuropathy type 6. Also called: HSAN VI; Neuropathy, hereditary sensory and autonomic, type VI. Identifiers: Orphanet 314381, MedGen C3539003, MONDO:0013839, OMIM 614653.

Submission:

Labcorp Genetics (formerly Invitae), Labcorp
Classification: Uncertain significance for Epidermolysis bullosa simplex 3, localized or generalized intermediate, with BP230 deficiency; Hereditary sensory and autonomic neuropathy type 6. Last evaluated: 2020-01-13. Review status: criteria provided, single submitter. Criteria: Invitae Variant Classification Sherloc (09022015). Collection method: clinical testing. Allele origin: germline.
Comment: In summary, the available evidence is currently insufficient to determine the role of this variant in disease. Therefore, it has been classified as a Variant of Uncertain Significance. Algorithms developed to predict the effect of missense changes on protein structure and function are either unavailable or do not agree on the potential impact of this missense change (SIFT: "Deleterious"; PolyPhen-2: "Benign"; Align-GVGD: "Class C0"). This variant has not been reported in the literature in individuals with DST-related conditions. This variant is not present in population databases (ExAC no frequency). This sequence change replaces threonine with isoleucine at codon 1329 of the DST protein (p.Thr1329Ile). The threonine residue is weakly conserved and there is a moderate physicochemical difference between threonine and isoleucine.

NM_001723.7(DST):c.3986C>T (p.Thr1329Ile)

Gene: DST (dystonin; minus strand). Cytogenetic location: 6p12.1.
Variant type: single nucleotide variant.
Coding change: c.3986C>T on transcript NM_001723.7 (MANE Plus Clinical); coding-DNA position 3986, C replaced by T.
Protein change: p.Thr1329Ile; replaces threonine 1329 with isoleucine.
Molecular consequence: missense variant. On other transcripts: intron variant (10).
Genome position (GRCh38, 1-based): chr6:56,620,048, G>A on the plus strand (C>T on the coding strand, the complement: DST is on the minus strand). VCF-style: chr6-56620048-G-A. GRCh37 (hg19) VCF-style: chr6-56484846-G-A.
Other names: c.4830+4482C>T (NM_001144769.5); c.4929+4482C>T (NM_001374722.1, NM_001374736.1); c.4416+4482C>T (NM_001144770.2); c.4296+4482C>T (NM_001374730.1, NM_001386100.1, NM_183380.4 and 1 more transcripts); c.4956+4482C>T (NM_001374734.1); c.3318+4482C>T (NM_015548.5); short protein forms T1329I.
Identifiers: ClinVar variation 1035268 (VCV001035268.11), dbSNP rs2098673708, ClinGen allele CA364570673.